The following is an entry in ClinVar:

NM_001184880.2(PCDH19):c.1069G>T (p.Glu357Ter)

Gene: PCDH19 (protocadherin 19; minus strand). Cytogenetic location: Xq22.1.
Variant type: single nucleotide variant.
Coding change: c.1069G>T on transcript NM_001184880.2 (MANE Select); coding-DNA position 1069, G replaced by T.
Protein change: p.Glu357Ter; replaces glutamic acid 357 with a stop codon.
Molecular consequence: nonsense.
Genome position (GRCh38, 1-based): chrX:100,407,529, C>A on the plus strand (G>T on the coding strand, the complement: PCDH19 is on the minus strand). VCF-style: chrX-100407529-C-A. GRCh37 (hg19) VCF-style: chrX-99662527-C-A.
Other names: c.1069G>T, p.Glu357Ter (NM_001105243.2, NM_020766.3); short protein forms E357*.
Identifiers: ClinVar variation 3644853 (VCV003644853.2).

ClinVar aggregate classification (germline): Pathogenic (1 of 4 stars; one submission).

Conditions:
Developmental and epileptic encephalopathy, 9 (DEE9). Also called: Early infantile epileptic encephalopathy 9; JUBERG-HELLMAN SYNDROME; PCDH19-Related X-Linked Female-Limited Epilepsy with Mental Retardation; EPILEPSY, FEMALE-RESTRICTED, WITH MENTAL RETARDATION. Identifiers: Orphanet 101039, Orphanet 2076, MedGen C1848137, MONDO:0010246, OMIM 300088. Disease mechanism: loss of function.

Submission:

Labcorp Genetics (formerly Invitae), Labcorp
Classification: Pathogenic for Developmental and epileptic encephalopathy, 9. Last evaluated: 2024-03-07. Review status: criteria provided, single submitter. Criteria: Invitae Variant Classification Sherloc (09022015). Collection method: clinical testing. Allele origin: germline.
Comment: This sequence change creates a premature translational stop signal (p.Glu357*) in the PCDH19 gene. It is expected to result in an absent or disrupted protein product. Loss-of-function variants in PCDH19 are known to be pathogenic (PMID: 21053371). This variant is not present in population databases (gnomAD no frequency). This variant has not been reported in the literature in individuals affected with PCDH19-related conditions. For these reasons, this variant has been classified as Pathogenic.

Literature cited by the submitters: PubMed 21053371.